The following is an entry in ClinVar:

ClinVar aggregate classification (germline): Uncertain significance (1 of 4 stars; one submission).

gnomAD v4.1: 2 of 1,613,904 alleles (0.00012%); highest among the groups gnomAD compares: Non-Finnish European, 0.00017%; no homozygotes.

Submission:

Labcorp Genetics (formerly Invitae), Labcorp
Classification: Uncertain significance. Last evaluated: 2022-04-18. Review status: criteria provided, single submitter. Criteria: Invitae Variant Classification Sherloc (09022015). Collection method: clinical testing. Allele origin: germline.
Comment: This sequence change replaces isoleucine, which is neutral and non-polar, with methionine, which is neutral and non-polar, at codon 4 of the SMAD2 protein (p.Ile4Met). This variant is not present in population databases (gnomAD no frequency). This variant has not been reported in the literature in individuals affected with SMAD2-related conditions. Advanced modeling of protein sequence and biophysical properties (such as structural, functional, and spatial information, amino acid conservation, physicochemical variation, residue mobility, and thermodynamic stability) performed at Invitae indicates that this missense variant is not expected to disrupt SMAD2 protein function. In summary, the available evidence is currently insufficient to determine the role of this variant in disease. Therefore, it has been classified as a Variant of Uncertain Significance.

NM_005901.6(SMAD2):c.12C>G (p.Ile4Met)

Gene: SMAD2 (SMAD family member 2; minus strand). Cytogenetic location: 18q21.1.
Variant type: single nucleotide variant.
Coding change: c.12C>G on transcript NM_005901.6 (MANE Select); coding-DNA position 12, C replaced by G.
Protein change: p.Ile4Met; replaces isoleucine 4 with methionine.
Molecular consequence: missense variant.
Genome position (GRCh38, 1-based): chr18:47,896,745, G>C on the plus strand (C>G on the coding strand, the complement: SMAD2 is on the minus strand). VCF-style: chr18-47896745-G-C. GRCh37 (hg19) VCF-style: chr18-45423116-G-C.
Other names: c.12C>G, p.Ile4Met (NM_001003652.4, NM_001135937.3); short protein forms I4M.
Identifiers: ClinVar variation 1914537 (VCV001914537.5), dbSNP rs2511383810, ClinGen allele CA402503712.